The following is an entry in ClinVar:

ClinVar aggregate classification (germline): Benign/Likely benign. Review status: criteria provided, multiple submitters, no conflicts (2 of 4 stars). 7 submissions from 7 submitters: Benign (2); Likely benign (5). Last evaluated 2026-04-13.

Conditions:
Hereditary cancer-predisposing syndrome. Also called: Hereditary neoplastic syndrome; Tumor predisposition; Hereditary Cancer Syndrome; Neoplastic Syndromes, Hereditary. Identifiers: Orphanet 140162, MedGen C0027672, MeSH D009386, MONDO:0015356.
DICER1-related tumor predisposition. Also called: DICER1 syndrome; DICER1-related pleuropulmonary blastoma cancer predisposition syndrome. Identifiers: Orphanet 284343, MedGen C3839822, MONDO:0100216.

Submissions (7):

Myriad Genetics, Inc.
Classification: Likely benign for DICER1-related tumor predisposition. Last evaluated: 2026-04-13. Review status: criteria provided, single submitter. Criteria: Myriad Autosomal Dominant, Autosomal Recessive and X-Linked Classification Criteria (2023). Collection method: clinical testing. Allele origin: unknown.
Comment: This variant is considered likely benign. This variant is intronic and is not expected to impact mRNA splicing.

Labcorp Genetics (formerly Invitae), Labcorp
Classification: Benign for DICER1-related tumor predisposition. Last evaluated: 2026-02-03. Review status: criteria provided, single submitter. Criteria: Invitae Variant Classification Sherloc (09022015). Collection method: clinical testing. Allele origin: germline.

Laboratory of Genetics, Children's Clinical University Hospital Latvia
Classification: Likely benign. Last evaluated: 2025-02-16. Review status: criteria provided, single submitter. Criteria: ACMG Guidelines, 2015. Collection method: clinical testing. Allele origin: germline. Affected: yes.

Blueprint Genetics
Classification: Likely benign. Last evaluated: 2024-08-02. Review status: criteria provided, single submitter. Criteria: ACMG Guidelines, 2015. Collection method: clinical testing. Allele origin: germline.

GeneDx
Classification: Likely benign. Last evaluated: 2022-06-14. Review status: criteria provided, single submitter. Criteria: GeneDx Variant Classification Process June 2021. Collection method: clinical testing. Allele origin: germline. Affected: yes.
Comment: See Variant Classification Assertion Criteria.

Ambry Genetics
Classification: Likely benign for Hereditary cancer-predisposing syndrome. Last evaluated: 2022-04-04. Review status: criteria provided, single submitter. Criteria: Ambry Variant Classification Scheme 2023. Collection method: clinical testing. Allele origin: germline.

Sema4
Classification: Benign for Hereditary cancer-predisposing syndrome. Last evaluated: 2020-07-27. Review status: criteria provided, single submitter. Criteria: Sema4 Curation Guidelines. Collection method: curation. Allele origin: germline.

NM_177438.3(DICER1):c.3094-8_3094-5del

Gene: DICER1 (dicer 1, ribonuclease III; minus strand). Cytogenetic location: 14q32.13.
Variant type: Deletion.
Coding change: c.3094-8_3094-5del on transcript NM_177438.3 (MANE Select); 8 bases into the intron before coding-DNA position 3094 through 5 bases into the intron before coding-DNA position 3094, 4 bases deleted (ACTT; older notation c.3094-8_3094-5delACTT).
Molecular consequence: intron variant.
Genome position (GRCh38, 1-based): chr14:95,105,251-95,105,254, AAGT deleted on the plus strand (ACTT on the coding strand, the reverse complement: DICER1 is on the minus strand); deleting any 4 consecutive bases within chr14:95,105,251-95,105,257 gives the same sequence; the c. name uses the placement nearest the transcript's 3' end. VCF-style (leftmost placement, unchanged base first): chr14-95105250-CAAGT-C. GRCh37 (hg19) VCF-style: chr14-95571587-CAAGT-C.
Other names: c.3094-8_3094-5del (NM_001291628.2, NM_030621.4, NM_001271282.3 and 1 more transcripts); c.3094-8_3094-5delACTT (NM_177438.2).
Identifiers: ClinVar variation 315108 (VCV000315108.23), dbSNP rs770904411, ClinGen allele CA7331093.